The following is an entry in ClinVar:

NM_000211.5(ITGB2):c.2051G>A (p.Arg684His)

Gene: ITGB2 (integrin subunit beta 2; minus strand). Cytogenetic location: 21q22.3.
Variant type: single nucleotide variant.
Coding change: c.2051G>A on transcript NM_000211.5 (MANE Select); coding-DNA position 2051, G replaced by A.
Protein change: p.Arg684His; replaces arginine 684 with histidine.
Molecular consequence: missense variant.
Genome position (GRCh38, 1-based): chr21:44,888,722, C>T on the plus strand (G>A on the coding strand, the complement: ITGB2 is on the minus strand). VCF-style: chr21-44888722-C-T. GRCh37 (hg19) VCF-style: chr21-46308637-C-T.
Other names: c.2051G>A, p.Arg684His (NM_001127491.3); c.1844G>A, p.Arg615His (NM_001303238.2); short protein forms R684H, R615H.
Identifiers: ClinVar variation 655504 (VCV000655504.6), dbSNP rs780361764, ClinGen allele CA10062599.
Genomic context (GRCh38, chr21:44,888,722, plus strand): 5'-GCCGGTCCCCGCTGCACCCCAGCGGCCTCACCTCGGCTCTCATCCACATAGATGAGGTAG[C>T]GGTCCATCCCGTCCTGCTGCTCCAGCGTGTAGGCCACCCAGCAGCCCTCTGAGTCCCTCT-3'
Protein context (NP_000202.3, residues 674-694): YTLEQQDGMD[Arg684His]YLIYVDESRE

ClinVar aggregate classification (germline): Uncertain significance (1 of 4 stars; one submission).

Conditions:
Leukocyte adhesion deficiency 1 (LAD1). Also called: LAD 1; Lymphocyte function-associated antigen 1 immunodeficiency; LFA 1 immunodeficiency; LEUKOCYTE ADHESION DEFICIENCY, TYPE I. Identifiers: Orphanet 2968, Orphanet 99842, MedGen C0398738, MONDO:0007293, OMIM 116920.

Allele frequency attached by ClinVar (database versions not stated): ExAC 0.00002; gnomAD 0.00004 and 0.00003; TOPMed 0.00003; gnomAD exomes 0.00002.
gnomAD v4.1: 28 of 1,610,292 alleles (0.0017%); highest among the groups gnomAD compares: Middle Eastern, 0.016%; no homozygotes.

Submission:

Labcorp Genetics (formerly Invitae), Labcorp
Classification: Uncertain significance for Leukocyte adhesion deficiency 1. Last evaluated: 2021-08-26. Review status: criteria provided, single submitter. Criteria: Invitae Variant Classification Sherloc (09022015). Collection method: clinical testing. Allele origin: germline.
Comment: This sequence change replaces arginine with histidine at codon 684 of the ITGB2 protein (p.Arg684His). The arginine residue is weakly conserved and there is a small physicochemical difference between arginine and histidine. This variant is present in population databases (rs780361764, ExAC 0.003%). This variant has not been reported in the literature in individuals affected with ITGB2-related conditions. Algorithms developed to predict the effect of missense changes on protein structure and function output the following: SIFT: "Tolerated"; PolyPhen-2: "Benign"; Align-GVGD: "Class C0". The histidine amino acid residue is found in multiple mammalian species, which suggests that this missense change does not adversely affect protein function. In summary, the available evidence is currently insufficient to determine the role of this variant in disease. Therefore, it has been classified as a Variant of Uncertain Significance.